The following is an entry in ClinVar:

ClinVar aggregate classification (germline): Uncertain significance (1 of 4 stars; one submission).

gnomAD v4.1: 11 of 1,610,464 alleles (0.00068%); highest among the groups gnomAD compares: East Asian, 0.011%; no homozygotes.

Submission:

Labcorp Genetics (formerly Invitae), Labcorp
Classification: Uncertain significance. Last evaluated: 2025-06-03. Review status: criteria provided, single submitter. Criteria: Invitae Variant Classification Sherloc (09022015). Collection method: clinical testing. Allele origin: germline.
Comment: This sequence change replaces glutamine, which is neutral and polar, with arginine, which is basic and polar, at codon 26 of the SPPL2A protein (p.Gln26Arg). This variant is present in population databases (rs770008254, gnomAD 0.02%). This variant has not been reported in the literature in individuals affected with SPPL2A-related conditions. ClinVar contains an entry for this variant (Variation ID: 3617895). An algorithm developed to predict the effect of missense changes on protein structure and function (PolyPhen-2) suggests that this variant is likely to be tolerated. In summary, the available evidence is currently insufficient to determine the role of this variant in disease. Therefore, it has been classified as a Variant of Uncertain Significance.

NM_032802.4(SPPL2A):c.77A>G (p.Gln26Arg)

Gene: SPPL2A (signal peptide peptidase like 2A; minus strand). Cytogenetic location: 15q21.2.
Variant type: single nucleotide variant.
Coding change: c.77A>G on transcript NM_032802.4 (MANE Select); coding-DNA position 77, A replaced by G.
Protein change: p.Gln26Arg; replaces glutamine 26 with arginine.
Molecular consequence: missense variant.
Genome position (GRCh38, 1-based): chr15:50,749,736, T>C on the plus strand (A>G on the coding strand, the complement: SPPL2A is on the minus strand). VCF-style: chr15-50749736-T-C. GRCh37 (hg19) VCF-style: chr15-51041933-T-C.
Other names: short protein forms Q26R.
Identifiers: ClinVar variation 3617895 (VCV003617895.2).